The following is an entry in ClinVar:

NM_176824.3(BBS7):c.917T>C (p.Val306Ala)

Gene: BBS7 (Bardet-Biedl syndrome 7; minus strand). Cytogenetic location: 4q27.
Variant type: single nucleotide variant.
Coding change: c.917T>C on transcript NM_176824.3 (MANE Select); coding-DNA position 917, T replaced by C.
Protein change: p.Val306Ala; replaces valine 306 with alanine.
Molecular consequence: missense variant.
Genome position (GRCh38, 1-based): chr4:121,848,861, A>G on the plus strand (T>C on the coding strand, the complement: BBS7 is on the minus strand). VCF-style: chr4-121848861-A-G. GRCh37 (hg19) VCF-style: chr4-122770016-A-G.
Other names: c.917T>C, p.Val306Ala (NM_018190.4); short protein forms V306A.
Identifiers: ClinVar variation 1026932 (VCV001026932.12), dbSNP rs373378747, ClinGen allele CA3064368.
Genomic context (GRCh38, chr4:121,848,861, plus strand): 5'-GTTGTTGACTCTTTCTTCAATTACCTATTATCATTTACTTTACCTGAATATGTGGACACC[A>G]CGATTTCATCATAGCTGTCTTTTCCTACACAACCACCCTGGATAGATGTGACGCTTTCAG-3'
Protein context (NP_789794.1, residues 296-316): CVGKDSYDEI[Val306Ala]VSTYSGWVTG

ClinVar aggregate classification (germline): Uncertain significance. Review status: criteria provided, multiple submitters, no conflicts (2 of 4 stars). 6 submissions from 6 submitters: Uncertain significance (6). Last evaluated 2026-06-03.

Conditions:
Inborn genetic diseases. Identifiers: MedGen C0950123, MeSH D030342.
Bardet-Biedl syndrome (BBS). Identifiers: Orphanet 110, MedGen C0752166, MONDO:0015229.
Bardet-Biedl syndrome 7 (BBS7). Identifiers: Orphanet 110, MedGen C1859565, MONDO:0014435, OMIM 615984.
BBS7-related disorder. Also called: BBS7-related condition.

Allele frequency attached by ClinVar (database versions not stated): gnomAD exomes 0.00001 and 0.00002; ExAC 0.00002; ESP Exome Variant Server 0.00008; gnomAD 0.00010 and 0.00011; TOPMed 0.00011.

Submissions (6):

PreventionGenetics, part of Exact Sciences
Classification: Uncertain significance for BBS7-related condition. Last evaluated: 2026-06-03. Review status: criteria provided, single submitter. Criteria: ACMG Guidelines, 2015. Collection method: clinical testing. Allele origin: germline.
Comment: The BBS7 c.917T>C variant is predicted to result in the amino acid substitution p.Val306Ala. To our knowledge, this variant has not been reported in the literature. This variant is reported in 0.025% of alleles in individuals of African descent in gnomAD. At this time, the clinical significance of this variant is uncertain due to the absence of conclusive functional and genetic evidence.

Labcorp Genetics (formerly Invitae), Labcorp
Classification: Uncertain significance for Bardet-Biedl syndrome. Last evaluated: 2024-10-24. Review status: criteria provided, single submitter. Criteria: Invitae Variant Classification Sherloc (09022015). Collection method: clinical testing. Allele origin: germline.
Comment: This sequence change replaces valine, which is neutral and non-polar, with alanine, which is neutral and non-polar, at codon 306 of the BBS7 protein (p.Val306Ala). This variant is present in population databases (rs373378747, gnomAD 0.03%). This variant has not been reported in the literature in individuals affected with BBS7-related conditions. ClinVar contains an entry for this variant (Variation ID: 1026932). Invitae Evidence Modeling of protein sequence and biophysical properties (such as structural, functional, and spatial information, amino acid conservation, physicochemical variation, residue mobility, and thermodynamic stability) indicates that this missense variant is not expected to disrupt BBS7 protein function with a negative predictive value of 80%. In summary, the available evidence is currently insufficient to determine the role of this variant in disease. Therefore, it has been classified as a Variant of Uncertain Significance.

Fulgent Genetics
Classification: Uncertain significance for Bardet-Biedl syndrome 7. Last evaluated: 2024-04-02. Review status: criteria provided, single submitter. Criteria: ACMG Guidelines, 2015. Collection method: clinical testing. Allele origin: germline.

Ambry Genetics
Classification: Uncertain significance for Inborn genetic diseases. Last evaluated: 2023-03-01. Review status: criteria provided, single submitter. Criteria: Ambry Variant Classification Scheme 2023. Collection method: clinical testing. Allele origin: germline.

Blueprint Genetics
Classification: Uncertain significance. Last evaluated: 2021-01-22. Review status: criteria provided, single submitter. Criteria: ACMG Guidelines, 2015. Collection method: clinical testing. Allele origin: germline.

Baylor Genetics
Classification: Uncertain significance for Bardet-Biedl syndrome 7. Last evaluated: 2018-01-25. Review status: criteria provided, single submitter. Criteria: ACMG Guidelines, 2015. Collection method: clinical testing. Allele origin: paternal. Affected: yes.
Comment: This variant was determined to be of uncertain significance according to ACMG Guidelines, 2015 [PMID:25741868].